The following is an entry in ClinVar:

ClinVar aggregate classification (germline): Uncertain significance (1 of 4 stars; one submission).

Conditions:
Rhabdoid tumor predisposition syndrome 2 (RTPS2). Identifiers: Orphanet 231108, Orphanet 69077, MedGen C2750074, MONDO:0013224, OMIM 613325.

Submission:

Labcorp Genetics (formerly Invitae), Labcorp
Classification: Uncertain significance for Rhabdoid tumor predisposition syndrome 2. Last evaluated: 2023-10-15. Review status: criteria provided, single submitter. Criteria: Invitae Variant Classification Sherloc (09022015). Collection method: clinical testing. Allele origin: germline.
Comment: This sequence change falls in intron 2 of the SMARCA4 gene. It does not directly change the encoded amino acid sequence of the SMARCA4 protein. It affects a nucleotide within the consensus splice site. This variant is not present in population databases (gnomAD no frequency). This variant has not been reported in the literature in individuals affected with SMARCA4-related conditions. Variants that disrupt the consensus splice site are a relatively common cause of aberrant splicing (PMID: 17576681, 9536098). Algorithms developed to predict the effect of sequence changes on RNA splicing suggest that this variant is not likely to affect RNA splicing. In summary, the available evidence is currently insufficient to determine the role of this variant in disease. Therefore, it has been classified as a Variant of Uncertain Significance.

Literature cited by the submitters: PubMed 17576681; PubMed 9536098.

NM_003072.5(SMARCA4):c.222+6del

Gene: SMARCA4 (SWI/SNF related BAF chromatin remodeling complex subunit ATPase 4; plus strand). Cytogenetic location: 19p13.2.
Variant type: Deletion.
Coding change: c.222+6del on transcript NM_003072.5 (MANE Select); 6 bases into the intron after coding-DNA position 222, one base deleted (G; older notation c.222+6delG).
Molecular consequence: intron variant.
Genome position (GRCh38, 1-based): chr19:10,984,379, G deleted; the last of 3 consecutive G bases (chr19:10,984,377-10,984,379); deleting any one gives the same sequence. VCF-style (leftmost placement, unchanged base first): chr19-10984376-AG-A. GRCh37 (hg19) VCF-style: chr19-11095052-AG-A.
Other names: c.222+6del (NM_001128844.3, NM_001128849.3, NM_001128847.4 and 6 more transcripts).
Identifiers: ClinVar variation 2818158 (VCV002818158.3), dbSNP rs2513940969, ClinGen allele CA2739276521.